The following is an entry in ClinVar:

ClinVar aggregate classification (germline): Pathogenic (1 of 4 stars; one submission).

Conditions:
Peroxisome biogenesis disorder. Identifiers: Orphanet 79189, MedGen C1832200, MONDO:0019234. Disease mechanism: loss of function.

Submission:

Myriad Genetics, Inc.
Classification: Pathogenic for Peroxisome biogenesis disorder. Last evaluated: 2024-05-11. Review status: criteria provided, single submitter. Criteria: Myriad Autosomal Dominant, Autosomal Recessive and X-Linked Classification Criteria (2023). Collection method: clinical testing. Allele origin: unknown.
Comment: NM_000466.2(PEX1):c.3299dupG(E1101Rfs*20) is expected to be pathogenic in the context of peroxisome biogenesis disorder type 1. This variant is predicted to lead to an abnormal or absent protein product due to the creation of a premature termination codon in PEX1, a gene where loss-of-function variants are known to be pathogenic. Please note: this variant was assessed in the context of healthy population screening.

NM_000466.3(PEX1):c.3299dup (p.Glu1101fs)

Genes: GATAD1 (GATA zinc finger domain containing 1; plus strand), PEX1 (peroxisomal biogenesis factor 1; minus strand). Cytogenetic location: 7q21.2.
Variant type: Duplication.
Coding change: c.3299dup on transcript NM_000466.3 (MANE Select); coding-DNA position 3299, one base duplicated (G; older notation c.3299dupG).
Protein change: p.Glu1101fs; shifts the reading frame from glutamic acid 1101.
Molecular consequence: frameshift variant.
Genome position (GRCh38, 1-based): chr7:92,491,411, C duplicated on the plus strand (G on the coding strand, the reverse complement: PEX1 is on the minus strand); the first of 2 consecutive C bases (chr7:92,491,411-92,491,412); duplicating either gives the same sequence. VCF-style (leftmost placement, unchanged base first): chr7-92491410-T-TC. GRCh37 (hg19) VCF-style: chr7-92120724-T-TC.
Other names: c.3128dup, p.Glu1044fs (NM_001282677.2); c.2675dup, p.Glu893fs (NM_001282678.2); short protein forms E1044fs, E1101fs, E893fs.
Identifiers: ClinVar variation 5013040 (VCV005013040.1).
Genomic context (GRCh38, chr7:92,491,410, plus strand): 5'-TTCATCTGGAAGGATCTCGGACATCTCTAAAGAAACAAGGGACTGATCTAAGCCACATTC[T>TC]CCATCTCCAGCTGAATCGTCAGAGCCACTGCTATGGTTAAGAAAGACCATTGAAGACAGA-3'